The following is an entry in ClinVar:

NM_001267550.2(TTN):c.105407G>A (p.Arg35136Gln)

Genes: TTN-AS1 (TTN antisense RNA 1; plus strand), TTN (titin; minus strand). Cytogenetic location: 2q31.2.
Variant type: single nucleotide variant.
Coding change: c.105407G>A on transcript NM_001267550.2 (MANE Select); coding-DNA position 105407, G replaced by A.
Protein change: p.Arg35136Gln; replaces arginine 35136 with glutamine.
Molecular consequence: missense variant.
Genome position (GRCh38, 1-based): chr2:178,531,208, C>T on the plus strand (G>A on the coding strand, the complement: TTN is on the minus strand). VCF-style: chr2-178531208-C-T. GRCh37 (hg19) VCF-style: chr2-179395935-C-T.
Other names: p.R33495Q:CGG>CAG; c.100484G>A, p.Arg33495Gln (NM_001256850.1); c.78212G>A, p.Arg26071Gln (NM_003319.4); c.97703G>A, p.Arg32568Gln (NM_133378.4); c.78587G>A, p.Arg26196Gln (NM_133432.3); c.78788G>A, p.Arg26263Gln (NM_133437.4); short protein forms R33495Q, R35136Q, R32568Q, R26071Q, R26263Q, R26196Q.
Identifiers: ClinVar variation 203095 (VCV000203095.14), dbSNP rs554213990, ClinGen allele CA311223.
Genomic context (GRCh38, chr2:178,531,208, plus strand): 5'-GGCTCACCATCGGTGTCACAAGAAAACCTTGCAGACTCGCCCTCGTAGACGGTCATGGAC[C>T]GTGGCTTTGTTAGAATTCTTGCTGCCAAAGTCGTCTTGATCTTTCTGGTTGTGGATTTTT-3'
Protein context (NP_001254479.2, residues 35126-35146): TLAARILTKP[Arg35136Gln]SMTVYEGESA

ClinVar aggregate classification (germline): Uncertain significance. Review status: criteria provided, multiple submitters, no conflicts (2 of 4 stars). 4 submissions from 4 submitters: Uncertain significance (3). 1 of the submissions does not count toward it. Last evaluated 2026-01-19.

Conditions:
TTN-related disorder. Also called: TTN-related condition; TTN-related disease; TTN-related disorders.
Dilated cardiomyopathy 1G (CMD1G). Identifiers: Orphanet 154, MedGen C1858763, MONDO:0011400, OMIM 604145.
Autosomal recessive limb-girdle muscular dystrophy type 2J (LGMDR10). Also called: Limb-girdle muscular dystrophy, type 2J; MUSCULAR DYSTROPHY, LIMB-GIRDLE, AUTOSOMAL RECESSIVE 10. Identifiers: Orphanet 140922, MedGen C1837342, MONDO:0012127, OMIM 608807.

Allele frequency attached by ClinVar (database versions not stated): gnomAD 0.00001 and 0.00002; ExAC 0.00002; gnomAD exomes 0.00002; TOPMed 0.00003; 1000 Genomes Project 30x 0.00016; 1000 Genomes Project 0.00020.
gnomAD v4.1: 31 of 1,613,902 alleles (0.0019%); highest among the groups gnomAD compares: Middle Eastern, 0.016%; no homozygotes.

Submissions (4):

Labcorp Genetics (formerly Invitae), Labcorp
Classification: Uncertain significance for Dilated cardiomyopathy 1G; Autosomal recessive limb-girdle muscular dystrophy type 2J. Last evaluated: 2026-01-19. Review status: criteria provided, single submitter. Criteria: Invitae Variant Classification Sherloc (09022015). Collection method: clinical testing. Allele origin: germline.
Comment: This sequence change replaces arginine, which is basic and polar, with glutamine, which is neutral and polar, at codon 35136 of the TTN protein (p.Arg35136Gln). This variant is present in population databases (rs554213990, gnomAD 0.007%). This variant has not been reported in the literature in individuals affected with TTN-related conditions. ClinVar contains an entry for this variant (Variation ID: 203095). Experimental studies and prediction algorithms are not available or were not evaluated, and the functional significance of this variant is currently unknown. This variant is located in the M band of TTN (PMID: 25589632). Non-truncating variants in this region may be relevant for neuromuscular disorders, but have not been definitively shown to cause cardiomyopathy (PMID: 23975875). In summary, the available evidence is currently insufficient to determine the role of this variant in disease. Therefore, it has been classified as a Variant of Uncertain Significance.

PreventionGenetics, part of Exact Sciences
Classification: Uncertain significance for TTN-related condition. Last evaluated: 2025-11-18. Review status: criteria provided, single submitter. Criteria: ACMG Guidelines, 2015. Collection method: clinical testing. Allele origin: germline.
Comment: The TTN c.105407G>A variant is predicted to result in the amino acid substitution p.Arg35136Gln. To our knowledge, this variant has not been reported in the literature. This variant is reported in 0.0065% of alleles in individuals of African descent in gnomAD. At this time, the clinical significance of this variant is uncertain due to the absence of conclusive functional and genetic evidence.

Eurofins Ntd Llc (ga)
Classification: Uncertain significance. Last evaluated: 2018-01-25. Review status: criteria provided, single submitter. Criteria: EGL Classification Definitions 2015. Collection method: clinical testing. Allele origin: germline. Observed: 1 variant allele, 1 heterozygote.

GeneDx
No classification provided. Last evaluated: 2014-04-25. Review status: no classification provided. Criteria: GeneDx Variant Classification (06012015). Collection method: clinical testing. Allele origin: germline. Affected: yes. Not counted in ClinVar's aggregate classification.
Comment: Missense variants in the TTN gene are considered 'unclassified' if they are not previously reported in the literature and do not have >1% frequency in the population to be considered a polymorphism. Research indicates that truncating mutations in the TTN gene are expected to account for approximately 25% of familial and 18% of sporadic idiopathic DCM; however, truncating variants in the TTN gene have been reported in approximately 3% of reported control alleles. There has been little investigation into non-truncating variants. (Herman D et al. Truncations of titin causing dilated cardiomyopathy. N Eng J Med 366:619-628, 2012) The variant is found in CARDIOMYOPATHY panel(s).

Literature cited by the submitters: PubMed 25589632 (cited by Labcorp Genetics (formerly Invitae), Labcorp); PubMed 23975875 (cited by Labcorp Genetics (formerly Invitae), Labcorp).